The following is an entry in ClinVar:

ClinVar aggregate classification (germline): Benign (1 of 4 stars; one submission).

Allele frequency attached by ClinVar (database versions not stated): TOPMed 0.67996; ESP Exome Variant Server 0.68528; gnomAD 0.68625 and 0.69983; 1000 Genomes Project 30x 0.69363; 1000 Genomes Project 0.70228.
gnomAD v4.1: 106,633 of 152,106 alleles (70%); highest among the groups gnomAD compares: East Asian, 97%; 42,571 homozygotes.

Submissions (7):

GeneDx
Classification: Benign. Last evaluated: 2018-06-18. Review status: criteria provided, single submitter. Criteria: GeneDx Variant Classification (06012015). Collection method: clinical testing. Allele origin: germline. Affected: yes.
Comment: This variant is considered likely benign or benign based on one or more of the following criteria: it is a conservative change, it occurs at a poorly conserved position in the protein, it is predicted to be benign by multiple in silico algorithms, and/or has population frequency not consistent with disease.

Dr. Peter K. Rogan Lab, Western University
No classification provided (evidence only). Condition: Lung cancer. Review status: no classification provided. Collection method: in vitro. Allele origin: not applicable. Functional consequence: retained intron. Not counted in ClinVar's aggregate classification.

Dr. Peter K. Rogan Lab, Western University
No classification provided (evidence only). Condition: Lung cancer. Review status: no classification provided. Collection method: in vitro. Allele origin: not applicable. Functional consequence: retained intron. Not counted in ClinVar's aggregate classification.

Dr. Peter K. Rogan Lab, Western University
No classification provided (evidence only). Condition: Lung cancer. Review status: no classification provided. Collection method: in vitro. Allele origin: not applicable. Functional consequence: retained intron. Not counted in ClinVar's aggregate classification.

Dr. Peter K. Rogan Lab, Western University
No classification provided (evidence only). Condition: Gastric cancer. Review status: no classification provided. Collection method: in vitro. Allele origin: not applicable. Functional consequence: retained intron. Not counted in ClinVar's aggregate classification.

Dr. Peter K. Rogan Lab, Western University
No classification provided (evidence only). Condition: Gastric cancer. Review status: no classification provided. Collection method: in vitro. Allele origin: not applicable. Functional consequence: retained intron. Not counted in ClinVar's aggregate classification.

Dr. Peter K. Rogan Lab, Western University
No classification provided (evidence only). Condition: Gastric cancer. Review status: no classification provided. Collection method: in vitro. Allele origin: not applicable. Functional consequence: retained intron. Not counted in ClinVar's aggregate classification.

NM_016203.4(PRKAG2):c.115-269G>C

Gene: PRKAG2 (protein kinase AMP-activated non-catalytic subunit gamma 2; minus strand). Cytogenetic location: 7q36.1.
Variant type: single nucleotide variant.
Coding change: c.115-269G>C on transcript NM_016203.4 (MANE Select); 269 bases into the intron before coding-DNA position 115, G replaced by C.
Molecular consequence: intron variant.
Genome position (GRCh38, 1-based): chr7:151,786,810, C>G on the plus strand (G>C on the coding strand, the complement: PRKAG2 is on the minus strand). VCF-style: chr7-151786810-C-G. GRCh37 (hg19) VCF-style: chr7-151483896-C-G.
Other names: NC_000007.13:g.151483896C>G; c.-18-269G>C (NM_001040633.2).
Identifiers: ClinVar variation 683712 (VCV000683712.2), dbSNP rs11763144, ClinGen allele CA12525766.